The following is an entry in ClinVar:

NM_001718.6(BMP6):c.453G>T (p.Gly151=)

Gene: BMP6 (bone morphogenetic protein 6; plus strand). Cytogenetic location: 6p24.3.
Variant type: single nucleotide variant.
Coding change: c.453G>T on transcript NM_001718.6 (MANE Select); coding-DNA position 453, G replaced by T.
Protein change: p.Gly151=; no amino-acid change (glycine 151 retained).
Molecular consequence: synonymous variant.
Genome position (GRCh38, 1-based): chr6:7,727,408, G>T. VCF-style: chr6-7727408-G-T. GRCh37 (hg19) VCF-style: chr6-7727641-G-T.
Identifiers: ClinVar variation 2578994 (VCV002578994.25), dbSNP rs201603718, ClinGen allele CA3628575.

ClinVar aggregate classification (germline): Likely benign (1 of 4 stars; one submission).

Allele frequency attached by ClinVar (database versions not stated): 1000 Genomes Project 30x 0.00016; 1000 Genomes Project 0.00020; ExAC 0.00053; TOPMed 0.00054; gnomAD 0.00063; gnomAD exomes 0.00080; ESP Exome Variant Server 0.00086.
gnomAD v4.1: 1,254 of 1,607,024 alleles (0.078%); highest among the groups gnomAD compares: Non-Finnish European, 0.098%; no homozygotes.

Submission:

CeGaT Center for Human Genetics Tuebingen
Classification: Likely benign. Last evaluated: 2023-08-01. Review status: criteria provided, single submitter. Criteria: CeGaT Center For Human Genetics Tuebingen Variant Classification Criteria Version 2. Collection method: clinical testing. Allele origin: germline. Affected: yes. Observed: 1 variant allele.
Comment: BMP6: BP4, BP7